The following is an entry in ClinVar:

NM_001077365.2(POMT1):c.1479C>T (p.Tyr493=)

Gene: POMT1 (protein O-mannosyltransferase 1; plus strand). Cytogenetic location: 9q34.13.
Variant type: single nucleotide variant.
Coding change: c.1479C>T on transcript NM_001077365.2 (MANE Select); coding-DNA position 1479, C replaced by T.
Protein change: p.Tyr493=; no amino-acid change (tyrosine 493 retained).
Molecular consequence: synonymous variant. On other transcripts: non-coding transcript variant (10), intron variant (1).
Genome position (GRCh38, 1-based): chr9:131,518,950, C>T. VCF-style: chr9-131518950-C-T. GRCh37 (hg19) VCF-style: chr9-134394337-C-T.
Other names: p.Y515Y:TAC>TAT; p.Tyr515=; c.1317C>T, p.Tyr439= (NM_001077366.2, NM_001353194.2); c.1479C>T, p.Tyr493= (NM_001136113.2); c.1128C>T, p.Tyr376= (NM_001136114.2, NM_001353195.2, NM_001374691.1 and 2 more transcripts); c.1545C>T, p.Tyr515= (NM_001353193.2, NM_007171.4); c.1389C>T, p.Tyr463= (NM_001353196.2); c.1383C>T, p.Tyr461= (NM_001353197.2, NM_001353198.2); and 5 more.
Identifiers: ClinVar variation 130007 (VCV000130007.22), dbSNP rs62636653, ClinGen allele CA154747.
Genomic context (GRCh38, chr9:131,518,950, plus strand): 5'-GGAGAAGCTGTCCCGGGGCTACCACGGGAGCACGGTGTGGAACGTGGAGGAGCACCGATA[C>T]GGCGCGAGTGAGTCCGCGGCGTGGCTTCCGCCGCTCCTGGAATGTACTTTCAGCTGCTCA-3'
Protein context (NP_001070833.1, residues 483-503): STVWNVEEHR[Tyr493=]GASQEQRERE

ClinVar aggregate classification (germline): Benign/Likely benign. Review status: criteria provided, multiple submitters, no conflicts (2 of 4 stars). 8 submissions from 8 submitters: Benign (5); Likely benign (2). 1 of the submissions does not count toward it. Last evaluated 2026-01-28.

Conditions:
Muscular dystrophy-dystroglycanopathy (congenital with impaired intellectual development), type B, 1. Also called: MUSCULAR DYSTROPHY, CONGENITAL, POMT1-RELATED; Muscular dystrophy-dystroglycanopathy (congenital with intellectual disability), type B1. Identifiers: MedGen C5436962, MONDO:0013159, OMIM 613155.
Autosomal recessive limb-girdle muscular dystrophy type 2K. Also called: MUSCULAR DYSTROPHY, LIMB-GIRDLE, TYPE 2K; MUSCULAR DYSTROPHY-DYSTROGLYCANOPATHY (LIMB-GIRDLE), TYPE C, 1. Identifiers: Orphanet 86812, MedGen C1836373, MONDO:0012248, OMIM 609308.
Walker-Warburg congenital muscular dystrophy. Also called: Muscular dystrophy-dystroglycanopathy, type A; Walker-Warburg syndrome. Identifiers: Orphanet 899, MedGen C0265221, MONDO:0000171.

Allele frequency attached by ClinVar (database versions not stated): gnomAD exomes 0.00298; ExAC 0.00360; gnomAD 0.00967 and 0.01037; TOPMed 0.01113; ESP Exome Variant Server 0.01123; 1000 Genomes Project 0.01218; 1000 Genomes Project 30x 0.01280.
gnomAD v4.1: 3,013 of 1,613,516 alleles (0.19%); highest among the groups gnomAD compares: African/African-American, 3.4%; 55 homozygotes.

Submissions (8):

Labcorp Genetics (formerly Invitae), Labcorp
Classification: Benign for Muscular dystrophy-dystroglycanopathy (congenital with impaired intellectual development), type B, 1; Walker-Warburg congenital muscular dystrophy; Autosomal recessive limb-girdle muscular dystrophy type 2K. Last evaluated: 2026-01-28. Review status: criteria provided, single submitter. Criteria: Invitae Variant Classification Sherloc (09022015). Collection method: clinical testing. Allele origin: germline.

Mayo Clinic Laboratories, Mayo Clinic
Classification: Benign. Last evaluated: 2019-07-12. Review status: criteria provided, single submitter. Criteria: ACMG Guidelines, 2015. Collection method: clinical testing. Allele origin: germline. Observed: 14 variant alleles.

Illumina Laboratory Services, Illumina
Classification: Likely benign for Autosomal recessive limb-girdle muscular dystrophy type 2K. Last evaluated: 2018-01-13. Review status: criteria provided, single submitter. Criteria: ICSL Variant Classification Criteria 13 December 2019. Collection method: clinical testing. Allele origin: germline.
Comment: This variant was observed in the ICSL laboratory as part of a predisposition screen in an ostensibly healthy population. It had not been previously curated by ICSL or reported in the Human Gene Mutation Database (HGMD: prior to June 1st, 2018), and was therefore a candidate for classification through an automated scoring system. Utilizing variant allele frequency, disease prevalence and penetrance estimates, and inheritance mode, an automated score was calculated to assess if this variant is too frequent to cause the disease. Based on the score and internal cut-off values, a variant classified as likely benign is not then subjected to further curation. The score for this variant resulted in a classification of likely benign for this disease.

Athena Diagnostics
Classification: Benign. Last evaluated: 2017-05-30. Review status: criteria provided, single submitter. Criteria: Athena Diagnostics Criteria. Collection method: clinical testing. Allele origin: germline.

GeneDx
Classification: Benign. Last evaluated: 2014-07-29. Review status: criteria provided, single submitter. Criteria: GeneDx Variant Classification (06012015). Collection method: clinical testing. Allele origin: germline. Affected: yes.
Comment: This variant is considered likely benign or benign based on one or more of the following criteria: it is a conservative change, it occurs at a poorly conserved position in the protein, it is predicted to be benign by multiple in silico algorithms, and/or has population frequency not consistent with disease.

Breakthrough Genomics
Classification: Likely benign. Review status: criteria provided, single submitter. Criteria: ACMG Guidelines, 2015. Collection method: not provided. Allele origin: germline. Inheritance: Autosomal recessive inheritance. Affected: yes.

PreventionGenetics, part of Exact Sciences
Classification: Benign. Review status: criteria provided, single submitter. Criteria: ACMG Guidelines, 2015. Collection method: clinical testing. Allele origin: germline.

Genetic Services Laboratory, University of Chicago
Classification: Likely benign for AllHighlyPenetrant. Review status: no assertion criteria provided. Collection method: clinical testing. Allele origin: germline. Inheritance: Autosomal recessive inheritance. Not counted in ClinVar's aggregate classification.
Comment: Likely benign based on allele frequency in 1000 Genomes Project or ESP global frequency and its presence in a patient with a rare or unrelated disease phenotype. NOT Sanger confirmed.